The following is an entry in ClinVar:

NM_177400.3(NKX6-2):c.198G>A (p.Arg66=)

Gene: NKX6-2 (NK6 homeobox 2; minus strand). Cytogenetic location: 10q26.3.
Variant type: single nucleotide variant.
Coding change: c.198G>A on transcript NM_177400.3 (MANE Select); coding-DNA position 198, G replaced by A.
Protein change: p.Arg66=; no amino-acid change (arginine 66 retained).
Molecular consequence: synonymous variant.
Genome position (GRCh38, 1-based): chr10:132,785,751, C>T on the plus strand (G>A on the coding strand, the complement: NKX6-2 is on the minus strand). VCF-style: chr10-132785751-C-T. GRCh37 (hg19) VCF-style: chr10-134599255-C-T.
Identifiers: ClinVar variation 2640978 (VCV002640978.27), dbSNP rs1012349735, ClinGen allele CA216760364.
Genomic context (GRCh38, chr10:132,785,751, plus strand): 5'-CGCGAGCCCGTTGAGCCGGGGCAGCCCCCCCAGGAGGCCCCCGCCCGCCGCGCCCACGGG[C>T]CGGCCCAGGATGTCGCTGATGCCGTGCGGGGTCCCGAGCGGGAGCTGCGCGCCCAGGCCC-3'
Protein context (NP_796374.2, residues 56-76): TPHGISDILG[Arg66=]PVGAAGGGLL

ClinVar aggregate classification (germline): Likely benign. Review status: criteria provided, multiple submitters, no conflicts (2 of 4 stars). 2 submissions from 2 submitters: Likely benign (2). Last evaluated 2025-02-01.

Allele frequency attached by ClinVar (database versions not stated): TOPMed below 0.00001.
gnomAD v4.1: 10 of 1,244,040 alleles (0.0008%); highest among the groups gnomAD compares: Non-Finnish European, 0.001%; no homozygotes.

Submissions (2):

CeGaT Center for Human Genetics Tuebingen
Classification: Likely benign. Last evaluated: 2025-02-01. Review status: criteria provided, single submitter. Criteria: CeGaT Center For Human Genetics Tuebingen Variant Classification Criteria Version 2. Collection method: clinical testing. Allele origin: germline. Affected: yes. Observed: 2 variant alleles.
Comment: NKX6-2: BP4, BP7

Labcorp Genetics (formerly Invitae), Labcorp
Classification: Likely benign. Last evaluated: 2023-07-07. Review status: criteria provided, single submitter. Criteria: Invitae Variant Classification Sherloc (09022015). Collection method: clinical testing. Allele origin: germline.